The following is an entry in ClinVar:

NM_000391.4(TPP1):c.431G>A (p.Gly144Glu)

Gene: TPP1 (tripeptidyl peptidase 1; minus strand). Cytogenetic location: 11p15.4.
Variant type: single nucleotide variant.
Coding change: c.431G>A on transcript NM_000391.4 (MANE Select); coding-DNA position 431, G replaced by A.
Protein change: p.Gly144Glu; replaces glycine 144 with glutamic acid.
Molecular consequence: missense variant.
Genome position (GRCh38, 1-based): chr11:6,617,378, C>T on the plus strand (G>A on the coding strand, the complement: TPP1 is on the minus strand). VCF-style: chr11-6617378-C-T. GRCh37 (hg19) VCF-style: chr11-6638609-C-T.
Other names: c.431G>A (NM_000391.3); short protein forms G144E.
Identifiers: ClinVar variation 1435921 (VCV001435921.4), dbSNP rs1367914404, ClinGen allele CA379475919.

ClinVar aggregate classification (germline): Uncertain significance. Review status: criteria provided, multiple submitters, no conflicts (2 of 4 stars). 2 submissions from 2 submitters: Uncertain significance (2). Last evaluated 2025-04-12.

Conditions:
Inborn genetic diseases. Identifiers: MedGen C0950123, MeSH D030342.

Allele frequency attached by ClinVar (database versions not stated): gnomAD exomes below 0.00001; gnomAD 0.00001.
gnomAD v4.1: 36 of 1,614,014 alleles (0.0022%); highest among the groups gnomAD compares: Non-Finnish European, 0.003%; no homozygotes.

Submissions (2):

Ambry Genetics
Classification: Uncertain significance for Inborn genetic diseases. Last evaluated: 2025-04-12. Review status: criteria provided, single submitter. Criteria: Ambry Variant Classification Scheme 2023. Collection method: clinical testing. Allele origin: germline.

Labcorp Genetics (formerly Invitae), Labcorp
Classification: Uncertain significance. Last evaluated: 2022-10-17. Review status: criteria provided, single submitter. Criteria: Invitae Variant Classification Sherloc (09022015). Collection method: clinical testing. Allele origin: germline.
Comment: This sequence change replaces glycine, which is neutral and non-polar, with glutamic acid, which is acidic and polar, at codon 144 of the TPP1 protein (p.Gly144Glu). This variant is present in population databases (no rsID available, gnomAD 0.004%). This variant has not been reported in the literature in individuals affected with TPP1-related conditions. ClinVar contains an entry for this variant (Variation ID: 1435921). Advanced modeling of protein sequence and biophysical properties (such as structural, functional, and spatial information, amino acid conservation, physicochemical variation, residue mobility, and thermodynamic stability) performed at Invitae indicates that this missense variant is not expected to disrupt TPP1 protein function. In summary, the available evidence is currently insufficient to determine the role of this variant in disease. Therefore, it has been classified as a Variant of Uncertain Significance.